The following is an entry in ClinVar:

ClinVar aggregate classification (germline): Uncertain significance (1 of 4 stars; one submission).

Submission:

Women's Health and Genetics/Laboratory Corporation of America, LabCorp
Classification: Uncertain significance. Last evaluated: 2026-04-07. Review status: criteria provided, single submitter. Criteria: LabCorp Variant Classification Summary - May 2015. Collection method: clinical testing. Allele origin: germline.
Comment: Variant summary: The variant involves the duplication of exon 1 in the OTUD7A gene which is in the untranslated mRNA region upstream of the initiation codon. A presumed nomenclature of OTUD7A c.(?_-390)_(-223+1_-222-1)dup has been designated for the purposes of this classification. The exact breakpoint at the 5' end of this variant is unknown, therefore this duplication may extend upstream of the annotated region of this gene. The OTUD7A gene (NM_130901.3) has three noncoding exons at the 5'-end (exons 1-3), therefore the duplication of exon 1 doesn't affect the protein coding region. The variant in isolation was not found in gnomAD. However, a larger duplication variant which extends further upstream (covering the CHRNA7 gene) was found at a frequency of 0.00018 in 122616 control chromosomes (gnomAD SV 4.1). In addition, another duplication which corresponds to exon 1 and 2 in the non-coding 5' UTR region of the OTUD7A (and also extends upstream) was found at a frequency of 0.00231 in 126090 control chromosomes (gnomAD SV 4.1). Furthermore, similar duplications were reported in the DGV Gold Standard dataset (with carrier frequencies of 0.10% and 0.69%). These data suggest that similar variants might be benign. To our knowledge, the duplication of exon 1 in the OTUD7A gene in isolation has not been reported in affected individuals. Larger duplications which correspond to the non-coding 5' UTR region of the OTUD7A gene and extend further upstream to (partly or wholly) include the CHRNA7 gene, have been reported with variable, non-specific cognitive phenotypes in the literature, however recent analysis based on case-control studies provide no evidence of an effect of similar duplications on cognitive performance (ClinGen 15q13.3 recurrent region, Dosage ID: ISCA-46295; and e.g. PMIDs 25217958, 30767844). To our knowledge, no experimental evidence demonstrating an impact on protein function has been reported. No submitters have cited clinical-significance assessments for this variant in isolation to ClinVar. Based on the evidence outlined above, the variant was classified as VUS-possibly benign.

Literature cited by the submitters: PubMed 25217958; PubMed 41094176; PubMed 30767844.

NM_130901.3:c.(?_-390)_(-223+1_-222-1)dup

Gene: OTUD7A (OTU deubiquitinase 7A; minus strand).
Variant type: Duplication.
Other names: c.(?_-390)_(-223+1_-222-1)dup (NM_130901.3).
Identifiers: ClinVar variation 4848770 (VCV004848770.1).